The following is an entry in ClinVar:

ClinVar aggregate classification (germline): Uncertain significance (1 of 4 stars; one submission).

Conditions:
Developmental and epileptic encephalopathy, 8 (DEE8). Also called: HYPEREKPLEXIA AND EPILEPSY. Identifiers: Orphanet 163985, Orphanet 2076, MedGen C1845102, MONDO:0010375, OMIM 300607.

Submission:

Labcorp Genetics (formerly Invitae), Labcorp
Classification: Uncertain significance for Developmental and epileptic encephalopathy, 8. Last evaluated: 2025-05-05. Review status: criteria provided, single submitter. Criteria: Invitae Variant Classification Sherloc (09022015). Collection method: clinical testing. Allele origin: germline.
Comment: This sequence change replaces valine, which is neutral and non-polar, with glycine, which is neutral and non-polar, at codon 280 of the ARHGEF9 protein (p.Val280Gly). This variant is not present in population databases (gnomAD no frequency). This variant has not been reported in the literature in individuals affected with ARHGEF9-related conditions. Invitae Evidence Modeling of protein sequence and biophysical properties (such as structural, functional, and spatial information, amino acid conservation, physicochemical variation, residue mobility, and thermodynamic stability) indicates that this missense variant is expected to disrupt ARHGEF9 protein function with a positive predictive value of 95%. In summary, the available evidence is currently insufficient to determine the role of this variant in disease. Therefore, it has been classified as a Variant of Uncertain Significance.

NM_001353921.2(ARHGEF9):c.860T>G (p.Val287Gly)

Gene: ARHGEF9 (Cdc42 guanine nucleotide exchange factor 9; minus strand). Cytogenetic location: Xq11.1.
Variant type: single nucleotide variant.
Coding change: c.860T>G on transcript NM_001353921.2 (MANE Select); coding-DNA position 860, T replaced by G.
Protein change: p.Val287Gly; replaces valine 287 with glycine.
Molecular consequence: missense variant.
Genome position (GRCh38, 1-based): chrX:63,674,123, A>C on the plus strand (T>G on the coding strand, the complement: ARHGEF9 is on the minus strand). VCF-style: chrX-63674123-A-C. GRCh37 (hg19) VCF-style: chrX-62894003-A-C.
Other names: c.680T>G, p.Val227Gly (NM_001173479.2); c.533T>G, p.Val178Gly (NM_001173480.2, NM_001369042.1); c.776T>G, p.Val259Gly (NM_001330495.2, NM_001353927.2, NM_001369033.1 and 8 more transcripts); c.860T>G, p.Val287Gly (NM_001353922.2); c.878T>G, p.Val293Gly (NM_001353923.1); c.659T>G, p.Val220Gly (NM_001353924.2, NM_001353926.2, NM_001369039.1 and 1 more transcripts); c.839T>G, p.Val280Gly (NM_001353928.2, NM_001369030.1, NM_001369031.1 and 2 more transcripts); c.425T>G, p.Val142Gly (NM_001369045.1); short protein forms V142G, V178G, V220G, V227G, V280G, V287G, V293G, V259G.
Identifiers: ClinVar variation 4709758 (VCV004709758.1).